The following is an entry in ClinVar:

NM_000092.5(COL4A4):c.924del (p.Pro309fs)

Gene: COL4A4 (collagen type IV alpha 4 chain; minus strand). Cytogenetic location: 2q36.3.
Variant type: Deletion.
Coding change: c.924del on transcript NM_000092.5 (MANE Select); coding-DNA position 924, one base deleted (G; older notation c.924delG).
Protein change: p.Pro309fs; shifts the reading frame from proline 309.
Molecular consequence: frameshift variant.
Genome position (GRCh38, 1-based): chr2:227,102,795, C deleted on the plus strand (G on the coding strand, the reverse complement: COL4A4 is on the minus strand); the first of 3 consecutive C bases (chr2:227,102,795-227,102,797); deleting any one gives the same sequence. VCF-style (leftmost placement, unchanged base first): chr2-227102794-GC-G. GRCh37 (hg19) VCF-style: chr2-227967510-GC-G.
Other names: short protein forms P309fs.
Identifiers: ClinVar variation 2739371 (VCV002739371.3), dbSNP rs2475580728, ClinGen allele CA2697550515.
Genomic context (GRCh38, chr2:227,102,794, plus strand): 5'-ACATGAAAGAGAAATATCTCCAAATTCACTGATGTTAACAGCAAATGATGCTTACCCGAG[GC>G]CCTGGAAATCCAGGAATACCTTTTTCTCCTTTTGCCCCAATACCAGATTCTCCCTTTAAG-3'

ClinVar aggregate classification (germline): Pathogenic (1 of 4 stars; one submission).

Submission:

Labcorp Genetics (formerly Invitae), Labcorp
Classification: Pathogenic. Last evaluated: 2023-07-09. Review status: criteria provided, single submitter. Criteria: Invitae Variant Classification Sherloc (09022015). Collection method: clinical testing. Allele origin: germline.
Comment: For these reasons, this variant has been classified as Pathogenic. This sequence change creates a premature translational stop signal (p.Pro309Leufs*16) in the COL4A4 gene. It is expected to result in an absent or disrupted protein product. Loss-of-function variants in COL4A4 are known to be pathogenic (PMID: 21196518, 24854265, 25307543). This variant is not present in population databases (gnomAD no frequency). This variant has not been reported in the literature in individuals affected with COL4A4-related conditions.

Literature cited by the submitters: PubMed 21196518; PubMed 24854265; PubMed 25307543.